The following is an entry in ClinVar:

NM_001184.4(ATR):c.6230A>G (p.Gln2077Arg)

Gene: ATR (ATR serine/threonine kinase; minus strand). Cytogenetic location: 3q23.
Variant type: single nucleotide variant.
Coding change: c.6230A>G on transcript NM_001184.4 (MANE Select); coding-DNA position 6230, A replaced by G.
Protein change: p.Gln2077Arg; replaces glutamine 2077 with arginine.
Molecular consequence: missense variant.
Genome position (GRCh38, 1-based): chr3:142,470,175, T>C on the plus strand (A>G on the coding strand, the complement: ATR is on the minus strand). VCF-style: chr3-142470175-T-C. GRCh37 (hg19) VCF-style: chr3-142189017-T-C.
Other names: c.6038A>G, p.Gln2013Arg (NM_001354579.2); short protein forms Q2077R, Q2013R.
Identifiers: ClinVar variation 3332042 (VCV003332042.1).
Genomic context (GRCh38, chr3:142,470,175, plus strand): 5'-TAATCAAGCCATAGAGTTAACATTCGTGGCATTGACTGATATATGAACTGATTTCCATAT[T>C]GTAGAGATCTGCAATTATATAGACAAGAAACACTATTAGCATAGCTGTCATTTTTATATT-3'
Protein context (NP_001175.2, residues 2067-2087): YIVLHFGRSL[Gln2077Arg]YGNQFIYQSM

ClinVar aggregate classification (germline): Uncertain significance (1 of 4 stars; one submission).

Conditions:
Inborn genetic diseases. Identifiers: MedGen C0950123, MeSH D030342.

Submission:

Ambry Genetics
Classification: Uncertain significance for Inborn genetic diseases. Last evaluated: 2024-06-04. Review status: criteria provided, single submitter. Criteria: Ambry Variant Classification Scheme 2023. Collection method: clinical testing. Allele origin: germline.
Comment: The p.Q2077R variant (also known as c.6230A>G), located in coding exon 37 of the ATR gene, results from an A to G substitution at nucleotide position 6230. The glutamine at codon 2077 is replaced by arginine, an amino acid with highly similar properties. This amino acid position is conserved. In addition, this alteration is predicted to be tolerated by in silico analysis. Based on the available evidence, the clinical significance of this variant remains unclear.